The following is an entry in ClinVar:

ClinVar aggregate classification (germline): Uncertain significance (1 of 4 stars; one submission).

Submission:

Greenwood Genetic Center Diagnostic Laboratories, Greenwood Genetic Center
Classification: Uncertain significance. Last evaluated: 2022-09-20. Review status: criteria provided, single submitter. Criteria: ACMG Guidelines, 2015. Collection method: clinical testing. Allele origin: germline. Affected: yes.
Comment: Gene of Uncertain Significance

NM_003112.5(SP4):c.424del (p.Ser142fs)

Gene: SP4 (Sp4 transcription factor; plus strand). Cytogenetic location: 7p15.3.
Variant type: Deletion.
Coding change: c.424del on transcript NM_003112.5 (MANE Select); coding-DNA position 424, one base deleted (T; older notation c.424delT).
Protein change: p.Ser142fs; shifts the reading frame from serine 142.
Molecular consequence: frameshift variant. On other transcripts: 5 prime UTR variant (1).
Genome position (GRCh38, 1-based): chr7:21,429,589, T deleted. VCF-style (leftmost placement, unchanged base first): chr7-21429588-AT-A. GRCh37 (hg19) VCF-style: chr7-21469206-AT-A.
Other names: c.373del, p.Ser125fs (NM_001326542.2); c.-516del (NM_001326543.2); short protein forms S125fs, S142fs.
Identifiers: ClinVar variation 1710409 (VCV001710409.3), dbSNP rs2534167579, ClinGen allele CA2580076909.